The following is an entry in ClinVar:

ClinVar aggregate classification (germline): Conflicting classifications of pathogenicity. Review status: criteria provided, conflicting classifications (1 of 4 stars). 3 submissions from 3 submitters: Likely pathogenic (1); Likely benign (1). 1 of the submissions does not count toward it. Last evaluated 2025-09-01.

Conditions:
TSHZ3-related disorder. Also called: TSHZ3-related condition.
Congenital anomaly of kidney and urinary tract. Also called: Congenital anomalies of kidney and urinary tract; Congenital anomalies of the kidney and urinary tract. Identifiers: Orphanet 93545, MedGen C1968949, MeSH C566906, MONDO:0019719.

gnomAD v4.1: 1,408 of 1,612,114 alleles (0.087%); highest among the groups gnomAD compares: Non-Finnish European, 0.084%; 5 homozygotes.

Submissions (3):

CeGaT Center for Human Genetics Tuebingen
Classification: Likely benign. Last evaluated: 2025-09-01. Review status: criteria provided, single submitter. Criteria: CeGaT Center For Human Genetics Tuebingen Variant Classification Criteria Version 2. Collection method: clinical testing. Allele origin: germline. Affected: yes. Observed: 1 variant allele.
Comment: TSHZ3: BP4

Weber Lab, Hannover Medical School
Classification: Likely pathogenic for Congenital anomaly of kidney and urinary tract. Last evaluated: 2024-03-12. Review status: criteria provided, single submitter. Criteria: ACMG Guidelines, 2015. Collection method: research. Allele origin: germline. Affected: yes.

PreventionGenetics, part of Exact Sciences
Classification: Likely benign for TSHZ3-related condition. Last evaluated: 2024-05-23. Review status: no assertion criteria provided. Collection method: clinical testing. Allele origin: germline. Not counted in ClinVar's aggregate classification.
Comment: This variant is classified as likely benign based on ACMG/AMP sequence variant interpretation guidelines (Richards et al. 2015 PMID: 25741868, with internal and published modifications).

Literature cited by the submitters: PubMed 39420202 (cited by Weber Lab, Hannover Medical School).

NM_020856.4(TSHZ3):c.172A>G (p.Ser58Gly)

Gene: TSHZ3 (teashirt zinc finger homeobox 3; minus strand). Cytogenetic location: 19q12.
Variant type: single nucleotide variant.
Coding change: c.172A>G on transcript NM_020856.4 (MANE Select); coding-DNA position 172, A replaced by G.
Protein change: p.Ser58Gly; replaces serine 58 with glycine.
Molecular consequence: missense variant.
Genome position (GRCh38, 1-based): chr19:31,279,621, T>C on the plus strand (A>G on the coding strand, the complement: TSHZ3 is on the minus strand). VCF-style: chr19-31279621-T-C. GRCh37 (hg19) VCF-style: chr19-31770527-T-C.
Other names: c.172A>G (NM_020856.3); short protein forms S58G.
Identifiers: ClinVar variation 3063589 (VCV003063589.9).